The following is an entry in ClinVar:

NM_032776.3(JMJD1C):c.4306A>G (p.Lys1436Glu)

Gene: JMJD1C (jumonji domain containing 1C; minus strand). Cytogenetic location: 10q21.3.
Variant type: single nucleotide variant.
Coding change: c.4306A>G on transcript NM_032776.3 (MANE Select); coding-DNA position 4306, A replaced by G.
Protein change: p.Lys1436Glu; replaces lysine 1436 with glutamic acid.
Molecular consequence: missense variant. On other transcripts: non-coding transcript variant (1).
Genome position (GRCh38, 1-based): chr10:63,207,363, T>C on the plus strand (A>G on the coding strand, the complement: JMJD1C is on the minus strand). VCF-style: chr10-63207363-T-C. GRCh37 (hg19) VCF-style: chr10-64967123-T-C.
Other names: c.3760A>G, p.Lys1254Glu (NM_001282948.2, NM_001318154.2); c.3442A>G, p.Lys1148Glu (NM_001318153.2); c.4192A>G, p.Lys1398Glu (NM_001322252.2); c.3649A>G, p.Lys1217Glu (NM_001322254.2, NM_001322258.2); short protein forms K1148E, K1217E, K1254E, K1398E, K1436E.
Identifiers: ClinVar variation 1055649 (VCV001055649.7), dbSNP rs1360350002, ClinGen allele CA377038066.

ClinVar aggregate classification (germline): Uncertain significance (1 of 4 stars; one submission).

Conditions:
Early Myoclonic Encephalopathy. Identifiers: MedGen C0270855.

Submission:

Labcorp Genetics (formerly Invitae), Labcorp
Classification: Uncertain significance for Early Myoclonic Encephalopathy. Last evaluated: 2023-06-18. Review status: criteria provided, single submitter. Criteria: Invitae Variant Classification Sherloc (09022015). Collection method: clinical testing. Allele origin: germline.
Comment: In summary, the available evidence is currently insufficient to determine the role of this variant in disease. Therefore, it has been classified as a Variant of Uncertain Significance. Advanced modeling of protein sequence and biophysical properties (such as structural, functional, and spatial information, amino acid conservation, physicochemical variation, residue mobility, and thermodynamic stability) performed at Invitae indicates that this missense variant is not expected to disrupt JMJD1C protein function. ClinVar contains an entry for this variant (Variation ID: 1055649). This variant has not been reported in the literature in individuals affected with JMJD1C-related conditions. This variant is not present in population databases (gnomAD no frequency). This sequence change replaces lysine, which is basic and polar, with glutamic acid, which is acidic and polar, at codon 1436 of the JMJD1C protein (p.Lys1436Glu).